The following is an entry in ClinVar:

NM_019892.6(INPP5E):c.1298C>T (p.Ala433Val)

Gene: INPP5E (inositol polyphosphate-5-phosphatase E; minus strand). Cytogenetic location: 9q34.3.
Variant type: single nucleotide variant.
Coding change: c.1298C>T on transcript NM_019892.6 (MANE Select); coding-DNA position 1298, C replaced by T.
Protein change: p.Ala433Val; replaces alanine 433 with valine.
Molecular consequence: missense variant.
Genome position (GRCh38, 1-based): chr9:136,432,568, G>A on the plus strand (C>T on the coding strand, the complement: INPP5E is on the minus strand). VCF-style: chr9-136432568-G-A. GRCh37 (hg19) VCF-style: chr9-139327020-G-A.
Other names: c.1295C>T, p.Ala432Val (NM_001318502.2); c.1298C>T (NM_019892.5); short protein forms A432V, A433V.
Identifiers: ClinVar variation 1390153 (VCV001390153.9), dbSNP rs1022640639, ClinGen allele CA201642240.

ClinVar aggregate classification (germline): Uncertain significance. Review status: criteria provided, multiple submitters, no conflicts (2 of 4 stars). 2 submissions from 2 submitters: Uncertain significance (2). Last evaluated 2025-09-30.

Conditions:
INPP5E-related disorder. Also called: INPP5E-related condition.
Joubert syndrome. Also called: Familial aplasia of the vermis; JOUBERT-BOLTSHAUSER SYNDROME. Identifiers: Orphanet 475, MedGen C5979921, MONDO:0018772.

Allele frequency attached by ClinVar (database versions not stated): gnomAD exomes 0.00001; gnomAD 0.00002 and 0.00003; TOPMed 0.00003.
gnomAD v4.1: 13 of 1,549,102 alleles (0.00084%); highest among the groups gnomAD compares: African/African-American, 0.0027%; no homozygotes.

Submissions (2):

PreventionGenetics, part of Exact Sciences
Classification: Uncertain significance for INPP5E-related condition. Last evaluated: 2025-09-30. Review status: criteria provided, single submitter. Criteria: ACMG Guidelines, 2015. Collection method: clinical testing. Allele origin: germline.
Comment: The INPP5E c.1298C>T variant is predicted to result in the amino acid substitution p.Ala433Val. To our knowledge, this variant has not been reported in the literature. This variant is reported in 0.011% of alleles in individuals of African descent in gnomAD. At this time, the clinical significance of this variant is uncertain due to the absence of conclusive functional and genetic evidence.

Labcorp Genetics (formerly Invitae), Labcorp
Classification: Uncertain significance for Joubert syndrome. Last evaluated: 2023-11-27. Review status: criteria provided, single submitter. Criteria: Invitae Variant Classification Sherloc (09022015). Collection method: clinical testing. Allele origin: germline.
Comment: This sequence change replaces alanine, which is neutral and non-polar, with valine, which is neutral and non-polar, at codon 433 of the INPP5E protein (p.Ala433Val). The frequency data for this variant in the population databases is considered unreliable, as metrics indicate poor data quality at this position in the gnomAD database. This variant has not been reported in the literature in individuals affected with INPP5E-related conditions. ClinVar contains an entry for this variant (Variation ID: 1390153). Advanced modeling of protein sequence and biophysical properties (such as structural, functional, and spatial information, amino acid conservation, physicochemical variation, residue mobility, and thermodynamic stability) has been performed at Invitae for this missense variant, however the output from this modeling did not meet the statistical confidence thresholds required to predict the impact of this variant on INPP5E protein function. In summary, the available evidence is currently insufficient to determine the role of this variant in disease. Therefore, it has been classified as a Variant of Uncertain Significance.